The following is an entry in ClinVar:

ClinVar aggregate classification (germline): Uncertain significance (1 of 4 stars; one submission).

Conditions:
Dilated cardiomyopathy 1KK (CMD1KK). Identifiers: Orphanet 154, Orphanet 75249, MedGen C3714995, MONDO:0014100, OMIM 615248.

Allele frequency attached by ClinVar (database versions not stated): TOPMed below 0.00001; gnomAD 0.00001.
gnomAD v4.1: 8 of 1,608,910 alleles (0.0005%); highest among the groups gnomAD compares: Non-Finnish European, 0.00068%; no homozygotes.

Submission:

Labcorp Genetics (formerly Invitae), Labcorp
Classification: Uncertain significance for Dilated cardiomyopathy 1KK. Last evaluated: 2021-10-09. Review status: criteria provided, single submitter. Criteria: Invitae Variant Classification Sherloc (09022015). Collection method: clinical testing. Allele origin: germline.
Comment: In summary, the available evidence is currently insufficient to determine the role of this variant in disease. Therefore, it has been classified as a Variant of Uncertain Significance. Algorithms developed to predict the effect of missense changes on protein structure and function (SIFT, PolyPhen-2, Align-GVGD) all suggest that this variant is likely to be tolerated. This variant has not been reported in the literature in individuals affected with MYPN-related conditions. This variant is not present in population databases (ExAC no frequency). This sequence change replaces proline with serine at codon 256 of the MYPN protein (p.Pro256Ser). The proline residue is moderately conserved and there is a moderate physicochemical difference between proline and serine.

NM_032578.4(MYPN):c.766C>T (p.Pro256Ser)

Gene: MYPN (myopalladin; plus strand). Cytogenetic location: 10q21.3.
Variant type: single nucleotide variant.
Coding change: c.766C>T on transcript NM_032578.4 (MANE Select); coding-DNA position 766, C replaced by T.
Protein change: p.Pro256Ser; replaces proline 256 with serine.
Molecular consequence: missense variant. On other transcripts: 5 prime UTR variant (1), non-coding transcript variant (1).
Genome position (GRCh38, 1-based): chr10:68,122,204, C>T. VCF-style: chr10-68122204-C-T. GRCh37 (hg19) VCF-style: chr10-69881961-C-T.
Other names: c.766C>T, p.Pro256Ser (NM_001256267.2); c.-357C>T (NM_001256268.2); short protein forms P256S.
Identifiers: ClinVar variation 1403371 (VCV001403371.6), dbSNP rs1352606923, ClinGen allele CA377105067.
Genomic context (GRCh38, chr10:68,122,204, plus strand): 5'-CGTGAAGCGGAGCAGGCTGCCAGTGAGGCGGCTGGTGGAGACACTACACCAGGGTCTTCC[C>T]CTTCATCTCTGTACTATGAAGAACCTCTGGGGCAACCTCCCCGGTTCACTCAAAAGTTAC-3'
Protein context (NP_115967.2, residues 246-266): AGGDTTPGSS[Pro256Ser]SSLYYEEPLG